The following is an entry in ClinVar:

NM_015295.3(SMCHD1):c.610A>G (p.Lys204Glu)

Gene: SMCHD1 (structural maintenance of chromosomes flexible hinge domain containing 1; plus strand). Cytogenetic location: 18p11.32.
Variant type: single nucleotide variant.
Coding change: c.610A>G on transcript NM_015295.3 (MANE Select); coding-DNA position 610, A replaced by G.
Protein change: p.Lys204Glu; replaces lysine 204 with glutamic acid.
Molecular consequence: missense variant.
Genome position (GRCh38, 1-based): chr18:2,674,117, A>G. VCF-style: chr18-2674117-A-G. GRCh37 (hg19) VCF-style: chr18-2674116-A-G.
Other names: short protein forms K204E.
Identifiers: ClinVar variation 4813986 (VCV004813986.1).
Genomic context (GRCh38, chr18:2,674,117, plus strand): 5'-GATAATGGAAGAGGAATGACCTCTAAACAGCTTAACAACTGGGCCGTGTATAGGTTGTCA[A>G]AATTCACAAGGCAAGGTGACTTTGAAAGGTTAGAAAACCTTACTTTTTTTTTTTTGTGGG-3'
Protein context (NP_056110.2, residues 194-214): LNNWAVYRLS[Lys204Glu]FTRQGDFESD

ClinVar aggregate classification (germline): VUS-high (1 of 4 stars; one submission).

Conditions:
Facioscapulohumeral muscular dystrophy 2 (FSHD2). Also called: FACIOSCAPULOHUMERAL MUSCULAR DYSTROPHY 2, DIGENIC; FSHD2, DIGENIC; MUSCULAR DYSTROPHY, FACIOSCAPULOHUMERAL, TYPE 1B. Identifiers: Orphanet 269, MedGen C1834671, MONDO:0008031, OMIM 158901.

Submission:

Genetic Diseases Diagnostic Center, Koc University Hospital
Classification: VUS-high for Facioscapulohumeral muscular dystrophy 2. Last evaluated: 2026-02-20. Review status: criteria provided, single submitter. Criteria: ACMG Guidelines, 2015. Collection method: clinical testing. Allele origin: germline. Inheritance: Autosomal dominant inheritance. Affected: yes.
Comment: The c.610A>G (p.Lys204Glu, rs1184311800) variant in SMCHD1 results in a lysine-to-glutamic acid substitution at amino acid position 204 within the N‑terminal GHKL ATPase domain of SMCHD1. This residue lies in the ATPase region where multiple missense variants have been associated with facioscapulohumeral muscular dystrophy type 2 (FSHD2), and p.Lys204Glu itself has been reported in individuals with FSHD2. In a cohort of genetically confirmed FSHD2 patients, this variant was identified in a subject carrying a permissive 4qA D4Z4 array of 12 repeat units and normal-sized D4Z4 fragments, consistent with the FSHD2 molecular mechanism in which SMCHD1 variants act in trans with a permissive D4Z4 allele. An immortalized FSHD2 myogenic cell line harboring the heterozygous p.Lys204Glu variant together with an 11‑unit 4qA D4Z4 repeat has been used as a disease model to study DUX4 regulation, indicating that this variant is present in cellular models with demonstrable DUX4 expression and D4Z4 hypomethylation. This variant is still classified as a strong VUS with in silico predictions including CADD=27.4 and REVEL=0.65 and following ACMG criteria PM2, PP2, PP3.[(PMID: 31243061). Mode of inheritance: Digenic inheritance.

Literature cited by the submitters: PubMed 31243061.